The following is an entry in ClinVar:

NM_001253852.3(AP4B1):c.1240C>T (p.Gln414Ter)

Genes: AP4B1 (adaptor related protein complex 4 subunit beta 1; minus strand), AP4B1-AS1 (AP4B1 antisense RNA 1; plus strand). Cytogenetic location: 1p13.2.
Variant type: single nucleotide variant.
Coding change: c.1240C>T on transcript NM_001253852.3 (MANE Select); coding-DNA position 1240, C replaced by T.
Protein change: p.Gln414Ter; replaces glutamine 414 with a stop codon.
Molecular consequence: nonsense. On other transcripts: non-coding transcript variant (2).
Genome position (GRCh38, 1-based): chr1:113,897,902, G>A on the plus strand (C>T on the coding strand, the complement: AP4B1 is on the minus strand). VCF-style: chr1-113897902-G-A. GRCh37 (hg19) VCF-style: chr1-114440524-G-A.
Other names: c.943C>T, p.Gln315Ter (NM_001253853.3); c.736C>T, p.Gln246Ter (NM_001308312.2); c.1240C>T, p.Gln414Ter (NM_006594.5); short protein forms Q315*, Q246*, Q414*.
Identifiers: ClinVar variation 2144496 (VCV002144496.5), dbSNP rs755756363, ClinGen allele CA1015847.

ClinVar aggregate classification (germline): Pathogenic. Review status: criteria provided, multiple submitters, no conflicts (2 of 4 stars). 3 submissions from 3 submitters: Pathogenic (3). Last evaluated 2025-11-25.

Conditions:
Hereditary spastic paraplegia 47. Also called: CEREBRAL PALSY, SPASTIC QUADRIPLEGIC, 5; adaptor protein 4 (AP-4) deficiency syndrome; Spastic paraplegia 47, autosomal recessive. Identifiers: Orphanet 280763, MedGen C3279738, MONDO:0013551, OMIM 614066.

Allele frequency attached by ClinVar (database versions not stated): gnomAD 0.00001; TOPMed 0.00002; ExAC 0.00002; gnomAD exomes 0.00001.

Submissions (3):

Variantyx, Inc.
Classification: Pathogenic for Hereditary spastic paraplegia 47. Last evaluated: 2025-11-25. Review status: criteria provided, single submitter. Criteria: Variantyx Assertion Criteria 2022. Collection method: clinical testing. Allele origin: germline. Inheritance: Autosomal recessive inheritance. Affected: no.
Comment: This is a nonsense variant in the AP4B1 gene (OMIM: 607245). Pathogenic variants in this gene have been associated with autosomal recessive spastic paraplegia 47. This variant introduces a premature termination codon in exon 7 out of 10 and is expected to result in loss of function, which is a known disease mechanism for AP4B1 in this disorder (PMID: 22290197, 24781758, 24700674) (PVS1). It has been identified in the compound heterozygous state in at least one individual reported in the published literature (PMID: 33728854) (PM3). It has a 0.0005% maximum allele frequency in non-founder control populations (PM2). Based on the current evidence, this variant is classified as pathogenic for autosomal recessive spastic paraplegia 47.

Labcorp Genetics (formerly Invitae), Labcorp
Classification: Pathogenic for Hereditary spastic paraplegia 47. Last evaluated: 2024-06-12. Review status: criteria provided, single submitter. Criteria: Invitae Variant Classification Sherloc (09022015). Collection method: clinical testing. Allele origin: germline.
Comment: This sequence change creates a premature translational stop signal (p.Gln414*) in the AP4B1 gene. It is expected to result in an absent or disrupted protein product. Loss-of-function variants in AP4B1 are known to be pathogenic (PMID: 22290197, 24700674, 24781758). This variant is present in population databases (rs755756363, gnomAD 0.02%). This variant has not been reported in the literature in individuals affected with AP4B1-related conditions. ClinVar contains an entry for this variant (Variation ID: 2144496). For these reasons, this variant has been classified as Pathogenic.

GeneDx
Classification: Pathogenic. Last evaluated: 2023-11-10. Review status: criteria provided, single submitter. Criteria: GeneDx Variant Classification Process June 2021. Collection method: clinical testing. Allele origin: germline. Affected: yes.
Comment: Identified with a second AP4B1 variant in a patient with spastic paraplegia in the published literature; please note that this article is not written in English (PMID: 33728854); Nonsense variant predicted to result in protein truncation or nonsense mediated decay in a gene for which loss of function is a known mechanism of disease; This variant is associated with the following publications: (PMID: 33728854)

Literature cited by the submitters: PubMed 22290197 (cited by Variantyx, Inc. and Labcorp Genetics (formerly Invitae), Labcorp); PubMed 24781758 (cited by Variantyx, Inc. and Labcorp Genetics (formerly Invitae), Labcorp); PubMed 24700674 (cited by Variantyx, Inc. and Labcorp Genetics (formerly Invitae), Labcorp); PubMed 33728854 (cited by Variantyx, Inc.).